The following is an entry in ClinVar:

ClinVar aggregate classification (germline): Uncertain significance (1 of 4 stars; one submission).

Allele frequency attached by ClinVar (database versions not stated): gnomAD 0.00001; TOPMed 0.00001.
gnomAD v4.1: 9 of 1,614,120 alleles (0.00056%); highest among the groups gnomAD compares: African/African-American, 0.0053%; no homozygotes.

Submission:

Labcorp Genetics (formerly Invitae), Labcorp
Classification: Uncertain significance. Last evaluated: 2024-08-29. Review status: criteria provided, single submitter. Criteria: Invitae Variant Classification Sherloc (09022015). Collection method: clinical testing. Allele origin: germline.
Comment: This sequence change replaces glycine, which is neutral and non-polar, with serine, which is neutral and polar, at codon 679 of the KIAA0556 protein (p.Gly679Ser). This variant is not present in population databases (gnomAD no frequency). This variant has not been reported in the literature in individuals affected with KIAA0556-related conditions. ClinVar contains an entry for this variant (Variation ID: 1938365). An algorithm developed to predict the effect of missense changes on protein structure and function outputs the following: PolyPhen-2: "Benign". The serine amino acid residue is found in multiple mammalian species, which suggests that this missense change does not adversely affect protein function. In summary, the available evidence is currently insufficient to determine the role of this variant in disease. Therefore, it has been classified as a Variant of Uncertain Significance.

NM_015202.5(KATNIP):c.2035G>A (p.Gly679Ser)

Gene: KATNIP (katanin interacting protein; plus strand). Cytogenetic location: 16p12.1.
Variant type: single nucleotide variant.
Coding change: c.2035G>A on transcript NM_015202.5 (MANE Select); coding-DNA position 2035, G replaced by A.
Protein change: p.Gly679Ser; replaces glycine 679 with serine.
Molecular consequence: missense variant.
Genome position (GRCh38, 1-based): chr16:27,740,332, G>A. VCF-style: chr16-27740332-G-A. GRCh37 (hg19) VCF-style: chr16-27751653-G-A.
Other names: short protein forms G679S.
Identifiers: ClinVar variation 1938365 (VCV001938365.5), dbSNP rs111376159, ClinGen allele CA279756435.